The following is an entry in ClinVar:

ClinVar aggregate classification (germline): Uncertain significance (0 of 4 stars; one submission).

Conditions:
SEMA3C-related disorder. Also called: SEMA3C-related condition.

gnomAD v4.1: 11 of 1,607,238 alleles (0.00068%); highest among the groups gnomAD compares: Middle Eastern, 0.049%; no homozygotes.

Submission:

PreventionGenetics, part of Exact Sciences
Classification: Uncertain significance for SEMA3C-related condition. Last evaluated: 2024-09-09. Review status: no assertion criteria provided. Collection method: clinical testing. Allele origin: germline.
Comment: The SEMA3C c.969A>C variant is predicted to result in the amino acid substitution p.Leu323Phe. To our knowledge, this variant has not been reported in the literature. This variant is reported in 0.0065% of alleles in individuals of European (Non-Finnish) descent in gnomAD. At this time, the clinical significance of this variant is uncertain due to the absence of conclusive functional and genetic evidence.

NM_006379.5(SEMA3C):c.915A>C (p.Leu305Phe)

Gene: SEMA3C (semaphorin 3C; minus strand). Cytogenetic location: 7q21.11.
Variant type: single nucleotide variant.
Coding change: c.915A>C on transcript NM_006379.5 (MANE Select); coding-DNA position 915, A replaced by C.
Protein change: p.Leu305Phe; replaces leucine 305 with phenylalanine.
Molecular consequence: missense variant.
Genome position (GRCh38, 1-based): chr7:80,802,666, T>G on the plus strand (A>C on the coding strand, the complement: SEMA3C is on the minus strand). VCF-style: chr7-80802666-T-G. GRCh37 (hg19) VCF-style: chr7-80431982-T-G.
Other names: c.969A>C, p.Leu323Phe (NM_001350120.2); c.741A>C, p.Leu247Phe (NM_001350121.2); short protein forms L247F, L305F, L323F.
Identifiers: ClinVar variation 3357296 (VCV003357296.1).